The following is an entry in ClinVar:

ClinVar aggregate classification (germline): Likely benign (1 of 4 stars; one submission).

Allele frequency attached by ClinVar (database versions not stated): gnomAD exomes 0.00001.
gnomAD v4.1: 3 of 1,611,384 alleles (0.00019%); highest among the groups gnomAD compares: East Asian, 0.0022%; no homozygotes.

Submission:

CeGaT Center for Human Genetics Tuebingen
Classification: Likely benign. Last evaluated: 2024-03-01. Review status: criteria provided, single submitter. Criteria: CeGaT Center For Human Genetics Tuebingen Variant Classification Criteria Version 2. Collection method: clinical testing. Allele origin: germline. Affected: yes. Observed: 1 variant allele.
Comment: TTN: BP4

NM_001267550.2(TTN):c.11311+1839A>G

Gene: TTN (titin; minus strand). Cytogenetic location: 2q31.2.
Variant type: single nucleotide variant.
Coding change: c.11311+1839A>G on transcript NM_001267550.2 (MANE Select); 1839 bases into the intron after coding-DNA position 11311, A replaced by G.
Molecular consequence: intron variant. On other transcripts: synonymous variant (1).
Genome position (GRCh38, 1-based): chr2:178,751,285, T>C on the plus strand (A>G on the coding strand, the complement: TTN is on the minus strand). VCF-style: chr2-178751285-T-C. GRCh37 (hg19) VCF-style: chr2-179616012-T-C.
Other names: c.11115A>G, p.Leu3705= (NM_133379.5); c.10222+1839A>G (NM_003319.4); c.10798+1839A>G (NM_133437.4); c.10597+1839A>G (NM_133432.3); c.10360+1839A>G (NM_133378.4, NM_001256850.1).
Identifiers: ClinVar variation 3234553 (VCV003234553.20), dbSNP rs1371902748, ClinGen allele CA538438093.